The following is an entry in ClinVar:

NM_201384.3(PLEC):c.2550C>G (p.Ala850=)

Gene: PLEC (plectin; minus strand). Cytogenetic location: 8q24.3.
Variant type: single nucleotide variant.
Coding change: c.2550C>G on transcript NM_201384.3 (MANE Select); coding-DNA position 2550, C replaced by G.
Protein change: p.Ala850=; no amino-acid change (alanine 850 retained).
Molecular consequence: synonymous variant.
Genome position (GRCh38, 1-based): chr8:143,930,206, G>C on the plus strand (C>G on the coding strand, the complement: PLEC is on the minus strand). VCF-style: chr8-143930206-G-C. GRCh37 (hg19) VCF-style: chr8-145004374-G-C.
Other names: c.2631C>G, p.Ala877= (NM_000445.5); c.2508C>G, p.Ala836= (NM_201378.4); c.2484C>G, p.Ala828= (NM_201379.3); c.2961C>G, p.Ala987= (NM_201380.4); c.2454C>G, p.Ala818= (NM_201381.3); c.2550C>G, p.Ala850= (NM_201382.4); c.2562C>G, p.Ala854= (NM_201383.3).
Identifiers: ClinVar variation 598190 (VCV000598190.17), dbSNP rs376777606, ClinGen allele CA4927479.
Genomic context (GRCh38, chr8:143,930,206, plus strand): 5'-GGTGACGGCCTCCTGGGCCTCCTGGTTGGGCGGGGGCACCAGGAAGCACACGGAGGGCAC[G>C]GCGGCCTCGCTGCCGGAGCTGCTGAGCACCTTCCAGTGGGACGGCTGTGCAGGGCCCACC-3'
Protein context (NP_958786.1, residues 840-860): KVLSSSGSEA[Ala850=]VPSVCFLVPP

ClinVar aggregate classification (germline): Conflicting classifications of pathogenicity. Review status: criteria provided, conflicting classifications (1 of 4 stars). 4 submissions from 4 submitters: Uncertain significance (1); Likely benign (3). Last evaluated 2026-06-16.

Conditions:
Epidermolysis bullosa simplex 5B, with muscular dystrophy (EBS5B). Also called: Epidermolysis bullosa simplex with muscular dystrophy; EPIDERMOLYSIS BULLOSA SIMPLEX AND LIMB-GIRDLE MUSCULAR DYSTROPHY. Identifiers: Orphanet 257, MedGen C2931072, MONDO:0009181, OMIM 226670.
Autosomal recessive limb-girdle muscular dystrophy type 2Q (LGMDR17). Also called: MUSCULAR DYSTROPHY, LIMB-GIRDLE, AUTOSOMAL RECESSIVE 17. Identifiers: Orphanet 254361, MedGen C3150989, MONDO:0013390, OMIM 613723.
Epidermolysis bullosa simplex 5C, with pyloric atresia (EBS5C). Also called: PLEC-Related Epidermolysis Bullosa with Pyloric Atresia; PLEC1-Related Epidermolysis Bullosa with Pyloric Atresia; Epidermolysis bullosa simplex with pyloric atresia. Identifiers: Orphanet 158684, MedGen C2677349, MONDO:0012807, OMIM 612138.
Epidermolysis bullosa simplex, Ogna type (EBS5A). Also called: Pidermolysis bullosa simplex 5A, Ogna type; EPIDERMOLYSIS BULLOSA SIMPLEX 5A, OGNA TYPE. Identifiers: Orphanet 79401, MedGen C0432317, MONDO:0007555, OMIM 131950.
Epidermolysis bullosa simplex with nail dystrophy (EBS5D). Identifiers: MedGen C4225309, MONDO:0014661, OMIM 616487.
PLEC-related disorder. Also called: PLEC-related condition; PLEC-related disorders.

Allele frequency attached by ClinVar (database versions not stated): gnomAD 0.00003; ESP Exome Variant Server 0.00008; TOPMed 0.00010.
gnomAD v4.1: 138 of 1,580,468 alleles (0.0087%); highest among the groups gnomAD compares: Non-Finnish European, 0.0074%; no homozygotes.

Submissions (4):

PreventionGenetics, part of Exact Sciences
Classification: Likely benign for PLEC-related condition. Last evaluated: 2026-06-16. Review status: criteria provided, single submitter. Criteria: ACMG Guidelines, 2015. Collection method: clinical testing. Allele origin: germline.
Comment: This variant is classified as likely benign based on ACMG/AMP sequence variant interpretation guidelines (Richards et al. 2015 PMID: 25741868, with internal and published modifications).

Labcorp Genetics (formerly Invitae), Labcorp
Classification: Likely benign for Autosomal recessive limb-girdle muscular dystrophy type 2Q; Epidermolysis bullosa simplex, Ogna type; Epidermolysis bullosa simplex with nail dystrophy; Epidermolysis bullosa simplex 5C, with pyloric atresia; Epidermolysis bullosa simplex 5B, with muscular dystrophy. Last evaluated: 2025-11-15. Review status: criteria provided, single submitter. Criteria: Invitae Variant Classification Sherloc (09022015). Collection method: clinical testing. Allele origin: germline.

Athena Diagnostics
Classification: Likely benign. Last evaluated: 2020-03-04. Review status: criteria provided, single submitter. Criteria: Athena Diagnostics Criteria. Collection method: clinical testing. Allele origin: unknown.

Eurofins Ntd Llc (ga)
Classification: Uncertain significance. Last evaluated: 2018-07-27. Review status: criteria provided, single submitter. Criteria: EGL ClinVar v180209 classification definitions. Collection method: clinical testing. Allele origin: germline. Observed: 1 variant allele, 1 heterozygote.